The following is an entry in ClinVar:

ClinVar aggregate classification (germline): not provided (0 of 4 stars; one submission).

Allele frequency attached by ClinVar (database versions not stated): ExAC 0.00003; gnomAD exomes 0.00004; TOPMed 0.00014; gnomAD 0.00018.
gnomAD v4.1: 60 of 1,611,792 alleles (0.0037%); highest among the groups gnomAD compares: Middle Eastern, 0.066%; no homozygotes.

Submission:

Human Evolutionary Genetics, Institut Pasteur
No classification provided. Review status: no classification provided. Collection method: not provided. Allele origin: germline.
ClinVar note: Converted during submission from untested to not provided.

NM_001391958.1(NLRP10):c.1887T>C (p.Asp629=)

Gene: NLRP10 (NLR family pyrin domain containing 10; minus strand). Cytogenetic location: 11p15.4.
Variant type: single nucleotide variant.
Coding change: c.1887T>C on transcript NM_001391958.1 (MANE Select); coding-DNA position 1887, T replaced by C.
Protein change: p.Asp629=; no amino-acid change (aspartic acid 629 retained).
Molecular consequence: synonymous variant.
Genome position (GRCh38, 1-based): chr11:7,959,725, A>G on the plus strand (T>C on the coding strand, the complement: NLRP10 is on the minus strand). VCF-style: chr11-7959725-A-G. GRCh37 (hg19) VCF-style: chr11-7981272-A-G.
Other names: c.1887T>C, p.Asp629= (NM_176821.4).
Identifiers: ClinVar variation 103336 (VCV000103336.2), dbSNP rs199475856, ClinGen allele CA230435.
Genomic context (GRCh38, chr11:7,959,725, plus strand): 5'-TGTTTCCTCTGTCCCTCTGCCTTTTCCAGTAGAAGCTTCCTTTTGTGTTCCTGCTATATT[A>G]TCTTTGCCCTCCTTCTGTCCATGGACAGAAGGACATTTTTGCTCCTCCTTAGGTCCATGA-3'
Protein context (NP_001378887.1, residues 619-639): PSVHGQKEGK[Asp629=]NIAGTQKEAS